The following is an entry in ClinVar:

ClinVar aggregate classification (germline): Uncertain significance (1 of 4 stars; one submission).

Allele frequency attached by ClinVar (database versions not stated): TOPMed 0.00002; ExAC 0.00002; gnomAD 0.00002; ESP Exome Variant Server 0.00008.
gnomAD v4.1: 17 of 1,614,072 alleles (0.0011%); highest among the groups gnomAD compares: Non-Finnish European, 0.0014%; no homozygotes.

Submission:

Labcorp Genetics (formerly Invitae), Labcorp
Classification: Uncertain significance. Last evaluated: 2025-08-28. Review status: criteria provided, single submitter. Criteria: Invitae Variant Classification Sherloc (09022015). Collection method: clinical testing. Allele origin: germline.
Comment: This sequence change replaces glutamine, which is neutral and polar, with histidine, which is basic and polar, at codon 418 of the KIF20A protein (p.Gln418His). This variant is present in population databases (rs145418441, gnomAD 0.004%). This variant has not been reported in the literature in individuals affected with KIF20A-related conditions. ClinVar contains an entry for this variant (Variation ID: 2989084). An algorithm developed to predict the effect of missense changes on protein structure and function (PolyPhen-2) suggests that this variant is likely to be disruptive. In summary, the available evidence is currently insufficient to determine the role of this variant in disease. Therefore, it has been classified as a Variant of Uncertain Significance.

NM_005733.3(KIF20A):c.1254G>C (p.Gln418His)

Gene: KIF20A (kinesin family member 20A; plus strand). Cytogenetic location: 5q31.2.
Variant type: single nucleotide variant.
Coding change: c.1254G>C on transcript NM_005733.3 (MANE Select); coding-DNA position 1254, G replaced by C.
Protein change: p.Gln418His; replaces glutamine 418 with histidine.
Molecular consequence: missense variant.
Genome position (GRCh38, 1-based): chr5:138,184,007, G>C. VCF-style: chr5-138184007-G-C. GRCh37 (hg19) VCF-style: chr5-137519696-G-C.
Other names: short protein forms Q418H.
Identifiers: ClinVar variation 2989084 (VCV002989084.3), dbSNP rs145418441, ClinGen allele CA3426557.